The following is an entry in ClinVar:

NM_001849.4(COL6A2):c.3006_3007insTC (p.Asp1003fs)

Gene: COL6A2 (collagen type VI alpha 2 chain; plus strand). Cytogenetic location: 21q22.3.
Variant type: Insertion.
Coding change: c.3006_3007insTC on transcript NM_001849.4 (MANE Select); coding-DNA positions 3006 to 3007, TC inserted.
Protein change: p.Asp1003fs; shifts the reading frame from aspartic acid 1003.
Molecular consequence: frameshift variant.
Genome position: GRCh38 VCF-style: chr21-46132498-T-TTC. GRCh37 (hg19) VCF-style: chr21-47552412-T-TTC.
Other names: short protein forms D1003fs.
Identifiers: ClinVar variation 2000036 (VCV002000036.4), dbSNP rs2517030401, ClinGen allele CA2580098904.
Genomic context (GRCh38, chr21:46,132,498, plus strand): 5'-GGACGTGCTCACCACGCTCAGCCTGGGTGACCGCGCCGCCGTGTTCCACGAGAAGGACTA[T>TTC]GACAGCCTGGCGCAACCCGGCTTCTTCGACCGCTTCATCCGCTGGATCTGCTAGCGCCGC-3'

ClinVar aggregate classification (germline): Likely pathogenic (1 of 4 stars; one submission).

Conditions:
Bethlem myopathy 1A. Also called: MYOPATHY, BENIGN CONGENITAL, WITH CONTRACTURES; Bethlem myopathy 1; Bethlem Muscular Dystrophy. Identifiers: Orphanet 610, MedGen CN029274, MONDO:0024530, OMIM 158810.

Submission:

Labcorp Genetics (formerly Invitae), Labcorp
Classification: Likely pathogenic for Bethlem myopathy 1A. Last evaluated: 2022-09-03. Review status: criteria provided, single submitter. Criteria: Invitae Variant Classification Sherloc (09022015). Collection method: clinical testing. Allele origin: germline.
Comment: This sequence change results in a frameshift in the COL6A2 gene (p.Asp1003Serfs*38). While this is not anticipated to result in nonsense mediated decay, it is expected to disrupt the last 17 amino acid(s) of the COL6A2 protein and extend the protein by 20 additional amino acid residues. This variant is not present in population databases (gnomAD no frequency). This frameshift has been observed in individual(s) with clinical features of autosomal recessive COL6A2-related conditions (Invitae). In at least one individual the data is consistent with being in trans (on the opposite chromosome) from a pathogenic variant. This variant disrupts a region of the COL6A2 protein in which other variant(s) (p.Trp1017Arg) have been observed in individuals with COL6A2-related conditions (PMID: 25535305). This suggests that this is a clinically significant region of the protein, and that variants that disrupt it are likely to be disease-causing. In summary, the currently available evidence indicates that the variant is pathogenic, but additional data are needed to prove that conclusively. Therefore, this variant has been classified as Likely Pathogenic.

Literature cited by the submitters: PubMed 25535305.